The following is an entry in ClinVar:

NM_001256627.2(BRSK2):c.1503G>A (p.Thr501=)

Gene: BRSK2 (BR serine/threonine kinase 2; plus strand). Cytogenetic location: 11p15.5.
Variant type: single nucleotide variant.
Coding change: c.1503G>A on transcript NM_001256627.2 (MANE Select); coding-DNA position 1503, G replaced by A.
Protein change: p.Thr501=; no amino-acid change (threonine 501 retained).
Molecular consequence: synonymous variant. On other transcripts: non-coding transcript variant (1).
Genome position (GRCh38, 1-based): chr11:1,451,378, G>A. VCF-style: chr11-1451378-G-A. GRCh37 (hg19) VCF-style: chr11-1472608-G-A.
Other names: c.1503G>A, p.Thr501= (NM_001256629.2, NM_003957.4); c.1641G>A, p.Thr547= (NM_001256630.1); c.1323G>A, p.Thr441= (NM_001282218.2).
Identifiers: ClinVar variation 2641338 (VCV002641338.24), dbSNP rs202173156, ClinGen allele CA5811095.

ClinVar aggregate classification (germline): Likely benign (1 of 4 stars; one submission).

Allele frequency attached by ClinVar (database versions not stated): ExAC 0.00008; gnomAD 0.00011; TOPMed 0.00017; ESP Exome Variant Server 0.00023.
gnomAD v4.1: 135 of 1,612,844 alleles (0.0084%); highest among the groups gnomAD compares: African/African-American, 0.032%; 1 homozygote.

Submission:

CeGaT Center for Human Genetics Tuebingen
Classification: Likely benign. Last evaluated: 2023-05-01. Review status: criteria provided, single submitter. Criteria: CeGaT Center For Human Genetics Tuebingen Variant Classification Criteria Version 2. Collection method: clinical testing. Allele origin: germline. Affected: yes. Observed: 1 variant allele.
Comment: BRSK2: BP4, BP7